The following is an entry in ClinVar:

ClinVar aggregate classification (germline): Pathogenic/Likely pathogenic. Review status: criteria provided, multiple submitters, no conflicts (2 of 4 stars). 5 submissions from 5 submitters: Pathogenic (3); Likely pathogenic (1). 1 of the submissions does not count toward it. Last evaluated 2024-08-04.

Conditions:
Generalized epilepsy with febrile seizures plus, type 2 (GEFSP2). Also called: GEFS+, TYPE 2. Identifiers: Orphanet 36387, MedGen C1858673, MONDO:0011461, OMIM 604403.
Migraine, familial hemiplegic, 3. Identifiers: Orphanet 569, MedGen C1864987, MONDO:0012320, OMIM 609634.
Severe myoclonic epilepsy in infancy (DRVT). Also called: Epileptic encephalopathy, early infantile, 6 (Dravet syndrome); Dravet syndrome; Severe Myoclonic Epilepsy in Infancy (SMEI); SEVERE MYOCLONIC EPILEPSY OF INFANCY; DEVELOPMENTAL AND EPILEPTIC ENCEPHALOPATHY 6A. Identifiers: Orphanet 33069, MedGen C0751122, MONDO:0100135, OMIM 607208.
Early-infantile DEE. Also called: Ohtahara syndrome; Early infantile epileptic encephalopathy with suppression bursts; Early infantile epileptic encephalopathy. Identifiers: Orphanet 1934, MedGen C0393706, MONDO:0800491.

Submissions (5):

3billion
Classification: Pathogenic for Severe myoclonic epilepsy in infancy. Last evaluated: 2024-08-04. Review status: criteria provided, single submitter. Criteria: ACMG Guidelines, 2015. Collection method: clinical testing. Allele origin: germline. Affected: yes.
Comment: The variant is not observed in the gnomAD v4.0.0 dataset. Predicted Consequence/Location: Missense changes are a common disease-causing mechanism. In silico tool predictions suggest damaging effect of the variant on gene or gene product [REVEL: 0.85 (>=0.6, sensitivity 0.68 and specificity 0.92); 3Cnet: 1.00 (>=0.6, sensitivity 0.72 and precision 0.9)]. The same nucleotide change resulting in the same amino acid change has been previously reported as pathogenic/likely pathogenic with strong evidence (ClinVar ID: VCV000068520 /PMID: 17347258). The variant has been previously reported as assumed (i.e. paternity and maternity not confirmed) de novo in at least one similarly affected unrelated individual (PMID: 36964972). A different missense change at the same codon (p.Tyr84His) has been reported to be associated with SCN1A related disorder (PMID: 36964972). Therefore, this variant is classified as Pathogenic according to the recommendation of ACMG/AMP guideline.

GeneDx
Classification: Pathogenic. Last evaluated: 2021-05-26. Review status: criteria provided, single submitter. Criteria: GeneDx Variant Classification Process June 2021. Collection method: clinical testing. Allele origin: germline. Affected: yes.
Comment: Not observed at significant frequency in large population cohorts (Lek et al., 2016); Missense variants in this gene are often considered pathogenic (Stenson et al., 2014); In silico analysis supports that this missense variant has a deleterious effect on protein structure/function; This substitution is predicted to be within the N-terminal cytoplasmic domain; This variant is associated with the following publications: (PMID: 19589774, 21248271, 32090326, 17347258, 23195492, 29933521, 31031587)

Labcorp Genetics (formerly Invitae), Labcorp
Classification: Pathogenic for Early-infantile DEE. Last evaluated: 2021-01-11. Review status: criteria provided, single submitter. Criteria: Invitae Variant Classification Sherloc (09022015). Collection method: clinical testing. Allele origin: germline.
Comment: Advanced modeling of protein sequence and biophysical properties (such as structural, functional, and spatial information, amino acid conservation, physicochemical variation, residue mobility, and thermodynamic stability) performed at Invitae indicates that this missense variant is expected to disrupt SCN1A protein function. For these reasons, this variant has been classified as Pathogenic. This variant has been reported in individual(s) with Dravet syndrome (PMID: 17347258, 23195492, 22050978). In at least one individual the variant was observed to be de novo. ClinVar contains an entry for this variant (Variation ID: 68520). This variant is not present in population databases (ExAC no frequency). This sequence change replaces tyrosine with cysteine at codon 84 of the SCN1A protein (p.Tyr84Cys). The tyrosine residue is highly conserved and there is a large physicochemical difference between tyrosine and cysteine.

Fulgent Genetics
Classification: Likely pathogenic for Generalized epilepsy with febrile seizures plus, type 2; Severe myoclonic epilepsy in infancy; Migraine, familial hemiplegic, 3. Last evaluated: 2018-10-31. Review status: criteria provided, single submitter. Criteria: ACMG Guidelines, 2015. Collection method: clinical testing. Allele origin: unknown.

UniProtKB/Swiss-Prot
No classification provided. Condition: Severe myoclonic epilepsy in infancy. Review status: no classification provided. Collection method: not provided. Allele origin: unknown. Not counted in ClinVar's aggregate classification.

Literature cited by the submitters: PubMed 17347258 (cited by 3billion and Labcorp Genetics (formerly Invitae), Labcorp); PubMed 36964972 (cited by 3billion); PubMed 23195492 (cited by Labcorp Genetics (formerly Invitae), Labcorp); PubMed 22050978 (cited by Labcorp Genetics (formerly Invitae), Labcorp).

NM_001165963.4(SCN1A):c.251A>G (p.Tyr84Cys)

Gene: SCN1A (sodium voltage-gated channel alpha subunit 1; minus strand). Cytogenetic location: 2q24.3.
Variant type: single nucleotide variant.
Coding change: c.251A>G on transcript NM_001165963.4 (MANE Select); coding-DNA position 251, A replaced by G.
Protein change: p.Tyr84Cys; replaces tyrosine 84 with cysteine.
Molecular consequence: missense variant. On other transcripts: 5 prime UTR variant (1), non-coding transcript variant (1).
Genome position (GRCh38, 1-based): chr2:166,073,371, T>C on the plus strand (A>G on the coding strand, the complement: SCN1A is on the minus strand). VCF-style: chr2-166073371-T-C. GRCh37 (hg19) VCF-style: chr2-166929881-T-C.
Other names: c.251A>G, p.Tyr84Cys (NM_001165964.3, NM_001202435.3, NM_001353948.2 and 10 more transcripts); c.-2175A>G (NM_001353961.2); short protein forms Y84C.
Identifiers: ClinVar variation 68520 (VCV000068520.14), dbSNP rs121917964, ClinGen allele CA284901.